The following is an entry in ClinVar:

ClinVar aggregate classification (germline): Likely benign. Review status: criteria provided, multiple submitters, no conflicts (2 of 4 stars). 4 submissions from 4 submitters: Likely benign (4). Last evaluated 2026-01-28.

Conditions:
Ehlers-Danlos syndrome, type 4 (EDSVASC). Also called: Ehlers-Danlos syndrome vascular type; Ehlers Danlos syndrome, ecchymotic type; Ehlers Danlos syndrome, arterial type; Ehlers Danlos syndrome, Sack-Barabas type; Ehlers-Danlos Syndrome Type IV. Identifiers: Orphanet 286, MedGen C0268338, MONDO:0017314, OMIM 130050.

Allele frequency attached by ClinVar (database versions not stated): gnomAD exomes 0.00005 and 0.00013; gnomAD 0.00007 and 0.00008; ExAC 0.00011; TOPMed 0.00012.
gnomAD v4.1: 82 of 1,611,886 alleles (0.0051%); highest among the groups gnomAD compares: Admixed American, 0.06%; no homozygotes.

Submissions (4):

Labcorp Genetics (formerly Invitae), Labcorp
Classification: Likely benign for Ehlers-Danlos syndrome, type 4. Last evaluated: 2026-01-28. Review status: criteria provided, single submitter. Criteria: Invitae Variant Classification Sherloc (09022015). Collection method: clinical testing. Allele origin: germline.

Women's Health and Genetics/Laboratory Corporation of America, LabCorp
Classification: Likely benign. Last evaluated: 2026-01-06. Review status: criteria provided, single submitter. Criteria: LabCorp Variant Classification Summary - May 2015. Collection method: clinical testing. Allele origin: germline.
Comment: Variant summary: COL3A1 c.1977+10G>A alters a nucleotide located at a position not widely known to affect splicing. Consensus agreement among computation tools predict no significant impact on normal splicing. However, these predictions have yet to be confirmed by functional studies. The variant allele was found at a frequency of 0.00013 in 249634 control chromosomes. This frequency is not significantly higher than estimated for disease-causing variants in COL3A1, allowing no conclusion about variant significance. To our knowledge, no occurrence of c.1977+10G>A in individuals affected with COL3A1-related conditions and no experimental evidence demonstrating its impact on protein function have been reported. ClinVar contains an entry for this variant (Variation ID: 254960). Based on the evidence outlined above, the variant was classified as likely benign.

GeneDx
Classification: Likely benign. Last evaluated: 2017-08-16. Review status: criteria provided, single submitter. Criteria: GeneDx Variant Classification (06012015). Collection method: clinical testing. Allele origin: germline. Affected: yes.
Comment: This variant is considered likely benign or benign based on one or more of the following criteria: it is a conservative change, it occurs at a poorly conserved position in the protein, it is predicted to be benign by multiple in silico algorithms, and/or has population frequency not consistent with disease.

PreventionGenetics, part of Exact Sciences
Classification: Likely benign. Review status: criteria provided, single submitter. Criteria: ACMG Guidelines, 2015. Collection method: clinical testing. Allele origin: germline.

NM_000090.4(COL3A1):c.1977+10G>A

Gene: COL3A1 (collagen type III alpha 1 chain; plus strand). Cytogenetic location: 2q32.2.
Variant type: single nucleotide variant.
Coding change: c.1977+10G>A on transcript NM_000090.4 (MANE Select); 10 bases into the intron after coding-DNA position 1977, G replaced by A.
Molecular consequence: intron variant.
Genome position (GRCh38, 1-based): chr2:188,998,329, G>A. VCF-style: chr2-188998329-G-A. GRCh37 (hg19) VCF-style: chr2-189863055-G-A.
Identifiers: ClinVar variation 254960 (VCV000254960.13), dbSNP rs768976215, ClinGen allele CA074848.
Genomic context (GRCh38, chr2:188,998,329, plus strand): 5'-TTGCCTGGTACAGGTGGTCCTCCAGGAGAAAATGGAAAACCTGGGGAACCAGTAAGTTAC[G>A]TTTCATTATTCAAAACTCAGAAACAAAAAGAATACACACTGTTTGTTTGTCAACTATTAA-3'